The following is an entry in ClinVar:

ClinVar aggregate classification (germline): Conflicting classifications of pathogenicity. Review status: criteria provided, conflicting classifications (1 of 4 stars). 4 submissions from 4 submitters: Uncertain significance (3); Likely benign (1). Last evaluated 2026-01-06.

Conditions:
Hereditary cancer-predisposing syndrome. Also called: Neoplastic Syndromes, Hereditary; Tumor predisposition; Hereditary Cancer Syndrome; Hereditary neoplastic syndrome. Identifiers: Orphanet 140162, MedGen C0027672, MeSH D009386, MONDO:0015356.
Von Hippel-Lindau syndrome (VHLS). Also called: Von Hippel-Lindau; von Hippel–Lindau syndrome; VHL syndrome. Identifiers: Orphanet 892, MedGen C0019562, MONDO:0008667, OMIM 193300. Disease mechanism: loss of function.
Pheochromocytoma. Also called: MAX-Related Hereditary Paraganglioma-Pheochromocytoma Syndrome. Identifiers: Orphanet 29072, MedGen C0031511, MONDO:0008233, OMIM 171300, HP:0002666.
Nonpapillary renal cell carcinoma. Identifiers: Orphanet 422526, MedGen CN074294, MONDO:0007763, OMIM 144700.
Chuvash polycythemia. Also called: POLYCYTHEMIA, VHL-DEPENDENT. Identifiers: Orphanet 238557, MedGen C1837915, MONDO:0009892, OMIM 263400.

gnomAD v4.1: 7 of 1,535,112 alleles (0.00046%); highest among the groups gnomAD compares: East Asian, 0.017%; no homozygotes.

Submissions (4):

Ambry Genetics
Classification: Likely benign for Hereditary cancer-predisposing syndrome. Last evaluated: 2026-01-06. Review status: criteria provided, single submitter. Criteria: Ambry Variant Classification Scheme 2023. Collection method: clinical testing. Allele origin: germline.

Labcorp Genetics (formerly Invitae), Labcorp
Classification: Uncertain significance for Von Hippel-Lindau syndrome; Chuvash polycythemia. Last evaluated: 2025-07-28. Review status: criteria provided, single submitter. Criteria: Invitae Variant Classification Sherloc (09022015). Collection method: clinical testing. Allele origin: germline.
Comment: This sequence change replaces tryptophan, which is neutral and slightly polar, with glycine, which is neutral and non-polar, at codon 8 of the VHL protein (p.Trp8Gly). This variant is not present in population databases (gnomAD no frequency). This variant has not been reported in the literature in individuals affected with VHL-related conditions. ClinVar contains an entry for this variant (Variation ID: 1499649). Invitae Evidence Modeling of protein sequence and biophysical properties (such as structural, functional, and spatial information, amino acid conservation, physicochemical variation, residue mobility, and thermodynamic stability) indicates that this missense variant is not expected to disrupt VHL protein function with a negative predictive value of 95%. In summary, the available evidence is currently insufficient to determine the role of this variant in disease. Therefore, it has been classified as a Variant of Uncertain Significance.

Fulgent Genetics
Classification: Uncertain significance for Nonpapillary renal cell carcinoma; Pheochromocytoma; Von Hippel-Lindau syndrome; Chuvash polycythemia. Last evaluated: 2024-01-22. Review status: criteria provided, single submitter. Criteria: ACMG Guidelines, 2015. Collection method: clinical testing. Allele origin: germline.

Women's Health and Genetics/Laboratory Corporation of America, LabCorp
Classification: Uncertain significance. Last evaluated: 2023-04-27. Review status: criteria provided, single submitter. Criteria: LabCorp Variant Classification Summary - May 2015. Collection method: clinical testing. Allele origin: germline.

NM_000551.4(VHL):c.22T>G (p.Trp8Gly)

Gene: VHL (von Hippel-Lindau tumor suppressor; plus strand). Cytogenetic location: 3p25.3.
Variant type: single nucleotide variant.
Coding change: c.22T>G on transcript NM_000551.4 (MANE Select); coding-DNA position 22, T replaced by G.
Protein change: p.Trp8Gly; replaces tryptophan 8 with glycine.
Molecular consequence: missense variant.
Genome position (GRCh38, 1-based): chr3:10,141,869, T>G. VCF-style: chr3-10141869-T-G. GRCh37 (hg19) VCF-style: chr3-10183553-T-G.
Other names: c.22T>G (NM_000551.3); c.22T>G, p.Trp8Gly (NM_001354723.2, NM_198156.3); short protein forms W8G.
Identifiers: ClinVar variation 1499649 (VCV001499649.8), dbSNP rs1352171735, ClinGen allele CA351747059.